The following is an entry in ClinVar:

ClinVar aggregate classification (germline): Uncertain significance. Review status: criteria provided, multiple submitters, no conflicts (2 of 4 stars). 2 submissions from 2 submitters: Uncertain significance (2). Last evaluated 2021-11-07.

Conditions:
Inborn genetic diseases. Identifiers: MedGen C0950123, MeSH D030342.
Cowden syndrome (CS). Also called: Cowden's disease; Cowden's syndrome; Cowden disease. Identifiers: Orphanet 201, MedGen C0018553, MONDO:0016063. Disease mechanism: gain of function.

Submissions (2):

Ambry Genetics
Classification: Uncertain significance for Inborn genetic diseases. Last evaluated: 2021-11-07. Review status: criteria provided, single submitter. Criteria: Ambry Variant Classification Scheme 2023. Collection method: clinical testing. Allele origin: germline.
Comment: The p.K204T variant (also known as c.611A>C), located in coding exon 3 of the PIK3CA gene, results from an A to C substitution at nucleotide position 611. The lysine at codon 204 is replaced by threonine, an amino acid with similar properties. This amino acid position is conserved. In addition, the in silico prediction for this alteration is inconclusive. Since supporting evidence is limited at this time, the clinical significance of this alteration remains unclear.

Labcorp Genetics (formerly Invitae), Labcorp
Classification: Uncertain significance for Cowden syndrome. Last evaluated: 2019-10-02. Review status: criteria provided, single submitter. Criteria: Invitae Variant Classification Sherloc (09022015). Collection method: clinical testing. Allele origin: germline.
Comment: This variant is not present in population databases (ExAC no frequency). In summary, the available evidence is currently insufficient to determine the role of this variant in disease. Therefore, it has been classified as a Variant of Uncertain Significance. Algorithms developed to predict the effect of missense changes on protein structure and function (SIFT, PolyPhen-2, Align-GVGD) all suggest that this variant is likely to be tolerated, but these predictions have not been confirmed by published functional studies and their clinical significance is uncertain. This variant has not been reported in the literature in individuals with PIK3CA-related conditions. This sequence change replaces lysine with threonine at codon 204 of the PIK3CA protein (p.Lys204Thr). The lysine residue is highly conserved and there is a moderate physicochemical difference between lysine and threonine.

NM_006218.4(PIK3CA):c.611A>C (p.Lys204Thr)

Gene: PIK3CA (phosphatidylinositol-4,5-bisphosphate 3-kinase catalytic subunit alpha; plus strand). Cytogenetic location: 3q26.32.
Variant type: single nucleotide variant.
Coding change: c.611A>C on transcript NM_006218.4 (MANE Select); coding-DNA position 611, A replaced by C.
Protein change: p.Lys204Thr; replaces lysine 204 with threonine.
Molecular consequence: missense variant.
Genome position (GRCh38, 1-based): chr3:179,201,338, A>C. VCF-style: chr3-179201338-A-C. GRCh37 (hg19) VCF-style: chr3-178919126-A-C.
Other names: short protein forms K204T.
Identifiers: ClinVar variation 945370 (VCV000945370.12), dbSNP rs1724404532, ClinGen allele CA355276205.
Genomic context (GRCh38, chr3:179,201,338, plus strand): 5'-TTCCTGTTATAGGGCAAATAATAGTGGTGATCTGGGTAATAGTTTCTCCAAATAATGACA[A>C]GCAGAAGTATACTCTGAAAATCAACCATGACTGTGTACCAGAACAAGTAATTGCTGAAGC-3'
Protein context (NP_006209.2, residues 194-214): IWVIVSPNND[Lys204Thr]QKYTLKINHD